The following is an entry in ClinVar:

ClinVar aggregate classification (germline): Likely pathogenic. Review status: reviewed by expert panel (3 of 4 stars). 11 submissions from 11 submitters: Likely pathogenic (1). 10 of the submissions do not count toward it. Last evaluated 2025-12-02.

Conditions:
Hereditary breast ovarian cancer syndrome. Also called: Hereditary breast and ovarian cancer syndrome; Hereditary breast and ovarian cancer; Hereditary breast and ovarian cancer syndrome (HBOC); Breast and ovarian cancer; Hereditary breast and/or ovarian cancer syndrome; BRCA1- and BRCA2-Associated Hereditary Breast and Ovarian Cancer. Identifiers: Orphanet 145, MedGen C0677776, MeSH D061325, MONDO:0003582. Disease mechanism: loss of function.
BRCA2-related cancer predisposition. Identifiers: MedGen CN377758, MONDO:0700269.
Hereditary cancer-predisposing syndrome. Also called: Neoplastic Syndromes, Hereditary; Tumor predisposition; Hereditary neoplastic syndrome; Hereditary Cancer Syndrome. Identifiers: Orphanet 140162, MedGen C0027672, MeSH D009386, MONDO:0015356.
Breast-ovarian cancer, familial, susceptibility to, 2 (BROVCA2). Also called: BRCA2 Hereditary Breast and Ovarian Cancer. Identifiers: Orphanet 145, MedGen C2675520, MONDO:0012933, OMIM 612555. Disease mechanism: loss of function.

Allele frequency attached by ClinVar (database versions not stated): gnomAD exomes below 0.00001.
gnomAD v4.1: 1 of 1,614,066 alleles (0.000062%); highest among the groups gnomAD compares: Non-Finnish European, 0.000085%; no homozygotes.

Submissions (11):

ClinGen ENIGMA BRCA1 and BRCA2 Variant Curation Expert Panel, ClinGen
Classification: Likely pathogenic for BRCA2-related cancer predisposition. Last evaluated: 2025-12-02. Review status: reviewed by expert panel. Criteria: CSpec BRCA12ACMG Rules Specifications V1.1. Collection method: curation. Allele origin: germline. Inheritance: Autosomal dominant inheritance.
Comment: The c.7753G>A variant in BRCA2 is a missense variant predicted to cause substitution of Glycine by Arginine at amino acid 2585 (p.(Gly2585Arg)). This variant is absent from gnomAD v2.1 (exomes only, non-cancer subset, read depth ≥25) and gnomAD v3.1 (non-cancer subset, read depth ≥25) (PM2_Supporting met). Reported by five calibrated studies to exhibit protein function similar to pathogenic control variants (PMIDs:38417439, 39779857, 39779848, 29988080, 33293522) (PS3 met). mRNA experimental analysis indicates no impact on splicing (PMID: 29881398) but is not applied as strong evidence against pathogenicity since missense impact has not been excluded (BP7_Strong (RNA) not met). This BRCA2 missense variant is within a key functional domain and the computational predictor BayesDel (noAF) gives a score of 0.34, above the recommended threshold of 0.30 for prediction of impact on BRCA2 function via protein change. A SpliceAI score of 0.16 indicates an unclear predicted impact on splicing (score threshold 0.10-0.20) (PP3 met). Multifactorial likelihood ratio analysis using clinically calibrated data produced a combined LR for this variant of 0.92 (based on Cosegregation LR=0.92), which is above the ENIGMA BRCA1/2 VCEP threshold for BP5 (>0.48) and below PP4 (<2.08) (BP5 and PP4 not met; Internal lab contributors). In summary, this variant meets the criteria to be classified as a Likely pathogenic variant for BRCA2-related cancer predisposition based on the ACMG/AMP criteria applied as specified by the ENIGMA BRCA1/2 VCEP (PM2_Supporting, PS3, PP3).

Labcorp Genetics (formerly Invitae), Labcorp
Classification: Uncertain significance for Hereditary breast ovarian cancer syndrome. Last evaluated: 2026-01-21. Review status: criteria provided, single submitter. Criteria: Invitae Variant Classification Sherloc (09022015). Collection method: clinical testing. Allele origin: germline. Not counted in ClinVar's aggregate classification.
Comment: This sequence change replaces glycine, which is neutral and non-polar, with arginine, which is basic and polar, at codon 2585 of the BRCA2 protein (p.Gly2585Arg). This variant is not present in population databases (gnomAD no frequency). This variant has not been reported in the literature in individuals affected with BRCA2-related conditions. ClinVar contains an entry for this variant (Variation ID: 52400). Invitae Evidence Modeling of protein sequence and biophysical properties (such as structural, functional, and spatial information, amino acid conservation, physicochemical variation, residue mobility, and thermodynamic stability) has been performed for this missense variant. However, the output from this modeling did not meet the statistical confidence thresholds required to predict the impact of this variant on BRCA2 protein function. Experimental studies have shown that this missense change affects BRCA2 function (PMID: 29394989, 29988080). In summary, the available evidence is currently insufficient to determine the role of this variant in disease. Therefore, it has been classified as a Variant of Uncertain Significance.

Ambry Genetics
Classification: Likely pathogenic for Hereditary cancer-predisposing syndrome. Last evaluated: 2025-02-26. Review status: criteria provided, single submitter. Criteria: Ambry Variant Classification Scheme 2023. Collection method: clinical testing. Allele origin: germline. Not counted in ClinVar's aggregate classification.
Comment: The p.G2585R variant (also known as c.7753G>A), located in coding exon 15 of the BRCA2 gene, results from a G to A substitution at nucleotide position 7753. The glycine at codon 2585 is replaced by arginine, an amino acid with dissimilar properties. Protein functional assays have demonstrated this variant to be deleterious (Guidugli L et al. Am J Hum Genet, 2018 Feb;102:233-248; Biswas K et al. NPJ Genom Med, 2020 Dec;5:52; Hu C et al. Clin Cancer Res, 2022 Sep;28:3742-3751). This amino acid position is highly conserved in available vertebrate species. In addition, this alteration is predicted to be deleterious by in silico analysis. This variant is considered to be rare based on population cohorts in the Genome Aggregation Database (gnomAD). Based on the majority of available evidence to date, this variant is likely to be pathogenic.

GeneDx
Classification: Likely pathogenic. Last evaluated: 2024-07-16. Review status: criteria provided, single submitter. Criteria: GeneDx Variant Classification Process June 2021. Collection method: clinical testing. Allele origin: germline. Affected: yes. Not counted in ClinVar's aggregate classification.
Comment: Published functional studies demonstrate a damaging effect: reduced homologous recombination repair activity and inability to rescue cell lethality (PMID: 23108138, 29988080, 35665744, 35736817, 29394989); Identified in individual(s) referred for hereditary cancer genetic testing (PMID: 29339979); Not observed at significant frequency in large population cohorts (gnomAD); In silico analysis indicates that this missense variant does not alter protein structure/function; Also known as 7981G>A; This variant is associated with the following publications: (PMID: 23108138, 29881398, 29884841, 19043619, 29988080, 29394989, 29339979, 35665744, 36865205, 12228710, 35736817)

Institute for Clinical Genetics, University Hospital TU Dresden, University Hospital TU Dresden
Classification: Likely pathogenic. Last evaluated: 2021-11-03. Review status: criteria provided, single submitter. Criteria: ACMG Guidelines, 2015. Collection method: clinical testing. Allele origin: germline. Not counted in ClinVar's aggregate classification.

Color Diagnostics, LLC DBA Color Health
Classification: Uncertain significance for Hereditary cancer-predisposing syndrome. Last evaluated: 2020-05-19. Review status: criteria provided, single submitter. Criteria: ACMG Guidelines, 2015. Collection method: clinical testing. Allele origin: germline. Not counted in ClinVar's aggregate classification.
Comment: This missense variant replaces glycine with arginine at codon 2585 of the BRCA2 protein. Computational prediction tool suggests that this variant may have deleterious impact on protein structure and function (internally defined REVEL score threshold >= 0.7, PMID: 27666373). Functional studies have shown that this variant reduces homology-directed DNA repair activity in a cell-based assay (PMID: 23108138, 29394989) and is unable to rescue the lethality phenotype of the BRCA2-deficient mouse embryonic stem cell (PMID: 29988080). To our knowledge, this variant has not been reported in individuals affected with hereditary cancer in the literature. This variant has not been identified in the general population by the Genome Aggregation Database (gnomAD). The available evidence is insufficient to determine the role of this variant in disease conclusively. Therefore, this variant is classified as a Variant of Uncertain Significance.

Cancer Variant Interpretation Group UK, Institute of Cancer Research, London
Classification: Likely pathogenic for Hereditary Breast and Ovarian Cancer. Last evaluated: 2018-10-09. Review status: criteria provided, single submitter. Criteria: ACMG Guidelines, 2015. Collection method: curation. Allele origin: germline. Not counted in ClinVar's aggregate classification.
Comment: Data used in classification: The frequency of this variant is 0/138,632 individuals (gnomAD) (PM2_mod). This variant is predicted deleterious on AlignGVGD (class: C65), SIFT (Deleterious), Polyphen2 HumVar (probably damaging) and CADD (27.3) (PP3_sup). The variant is in the DNA-binding domain of BRCA2 (PM1_sup). In the BRCA2 Homology-Directed Repair Activity assay for the DNA Binding Domain (Guidugli et al Cancer Res 2013;73:265-275,Couch Lab), which is validated against genetic epidemiologic data generated by ENIGMA, the variant has a probability of pathogenicity of 1.0 (PS3_strong). Data not used in classification: There are additional reports of this variant in ClinVar (3), BIC (1), and BRCA2 LOVD (1).

Department of Medical Genetics, Oslo University Hospital
Classification: Likely pathogenic for Breast-ovarian cancer, familial, susceptibility to, 2. Last evaluated: 2016-01-05. Review status: criteria provided, single submitter. Criteria: ACMG Guidelines, 2015. Collection method: clinical testing. Allele origin: germline. Affected: yes. Observed: 1 variant allele. Not counted in ClinVar's aggregate classification.

Breast Cancer Information Core (BIC) (BRCA2)
Classification: Uncertain significance for Breast-ovarian cancer, familial 2. Last evaluated: 1997-11-13. Review status: no assertion criteria provided. Collection method: clinical testing. Allele origin: germline. Affected: yes. Observed: 1 variant allele. Not counted in ClinVar's aggregate classification.

Diagnostic Laboratory, Department of Genetics, University Medical Center Groningen
Classification: Likely pathogenic. Review status: no assertion criteria provided. Collection method: clinical testing. Allele origin: germline. Affected: yes. Study: VKGL Data-share Consensus. Not counted in ClinVar's aggregate classification.

Joint Genome Diagnostic Labs from Nijmegen and Maastricht, Radboudumc and MUMC+
Classification: Likely pathogenic. Review status: no assertion criteria provided. Collection method: clinical testing. Allele origin: germline. Affected: yes. Study: VKGL Data-share Consensus. Not counted in ClinVar's aggregate classification.

Literature cited by the submitters: PubMed 29394989 (cited by Labcorp Genetics (formerly Invitae), Labcorp and Ambry Genetics); PubMed 29988080 (cited by Labcorp Genetics (formerly Invitae), Labcorp); PubMed 29339979 (cited by Ambry Genetics); PubMed 33293522 (cited by Ambry Genetics); PubMed 35736817 (cited by Ambry Genetics); PubMed 23108138 (cited by Cancer Variant Interpretation Group UK, Institute of Cancer Research, London).

NM_000059.4(BRCA2):c.7753G>A (p.Gly2585Arg)

Gene: BRCA2 (BRCA2 DNA repair associated; plus strand). Cytogenetic location: 13q13.1.
Variant type: single nucleotide variant.
Coding change: c.7753G>A on transcript NM_000059.4 (MANE Select); coding-DNA position 7753, G replaced by A.
Protein change: p.Gly2585Arg; replaces glycine 2585 with arginine.
Molecular consequence: missense variant.
Genome position (GRCh38, 1-based): chr13:32,357,877, G>A. VCF-style: chr13-32357877-G-A. GRCh37 (hg19) VCF-style: chr13-32932014-G-A.
Other names: p.G2585R:GGA>AGA; NM_000059.4(BRCA2):c.7753G>A; p.Gly2585Arg; short protein forms G2585R.
Identifiers: ClinVar variation 52400 (VCV000052400.24), dbSNP rs80359002, ClinGen allele CA025257.